The following is an entry in ClinVar:

NM_001382430.1(AKT1):c.1329G>A (p.Thr443=)

Gene: AKT1 (AKT serine/threonine kinase 1; minus strand). Cytogenetic location: 14q32.33.
Variant type: single nucleotide variant.
Coding change: c.1329G>A on transcript NM_001382430.1 (MANE Select); coding-DNA position 1329, G replaced by A.
Protein change: p.Thr443=; no amino-acid change (threonine 443 retained).
Molecular consequence: synonymous variant.
Genome position (GRCh38, 1-based): chr14:104,770,779, C>T on the plus strand (G>A on the coding strand, the complement: AKT1 is on the minus strand). VCF-style: chr14-104770779-C-T. GRCh37 (hg19) VCF-style: chr14-105237116-C-T.
Other names: c.1329G>A, p.Thr443= (NM_001014431.2, NM_001014432.2, NM_001382431.1 and 3 more transcripts).
Identifiers: ClinVar variation 240107 (VCV000240107.19), dbSNP rs376893212, ClinGen allele CA7374475.

ClinVar aggregate classification (germline): Likely benign. Review status: criteria provided, multiple submitters, no conflicts (2 of 4 stars). 3 submissions from 3 submitters: Likely benign (3). Last evaluated 2025-12-01.

Conditions:
Cowden syndrome 6 (CWS6). Identifiers: Orphanet 201, MedGen C3554519, MONDO:0014048, OMIM 615109.
Inborn genetic diseases. Identifiers: MedGen C0950123, MeSH D030342.

Allele frequency attached by ClinVar (database versions not stated): TOPMed 0.00006; ExAC 0.00007; ESP Exome Variant Server 0.00008; gnomAD 0.00009; gnomAD exomes 0.00011 and 0.00015.

Submissions (3):

CeGaT Center for Human Genetics Tuebingen
Classification: Likely benign. Last evaluated: 2025-12-01. Review status: criteria provided, single submitter. Criteria: CeGaT Center For Human Genetics Tuebingen Variant Classification Criteria Version 2. Collection method: clinical testing. Allele origin: germline. Affected: yes. Observed: 2 variant alleles.
Comment: AKT1: BP4, BP7

Labcorp Genetics (formerly Invitae), Labcorp
Classification: Likely benign for Cowden syndrome 6. Last evaluated: 2025-04-23. Review status: criteria provided, single submitter. Criteria: Invitae Variant Classification Sherloc (09022015). Collection method: clinical testing. Allele origin: germline.

Ambry Genetics
Classification: Likely benign for Inborn genetic diseases. Last evaluated: 2022-02-15. Review status: criteria provided, single submitter. Criteria: Ambry Variant Classification Scheme 2023. Collection method: clinical testing. Allele origin: germline.